The following is an entry in ClinVar:

NM_000548.5(TSC2):c.5203A>G (p.Ile1735Val)

Gene: TSC2 (TSC complex subunit 2; plus strand). Cytogenetic location: 16p13.3.
Variant type: single nucleotide variant.
Coding change: c.5203A>G on transcript NM_000548.5 (MANE Select); coding-DNA position 5203, A replaced by G.
Protein change: p.Ile1735Val; replaces isoleucine 1735 with valine.
Molecular consequence: missense variant.
Genome position (GRCh38, 1-based): chr16:2,088,269, A>G. VCF-style: chr16-2088269-A-G. GRCh37 (hg19) VCF-style: chr16-2138270-A-G.
Other names: c.5203A>G (NM_000548.4); c.5002A>G, p.Ile1668Val (NM_001077183.3); c.5134A>G, p.Ile1712Val (NM_001114382.3); c.4894A>G, p.Ile1632Val (NM_001318827.2); c.4858A>G, p.Ile1620Val (NM_001318829.2); c.4471A>G, p.Ile1491Val (NM_001318831.2); c.5035A>G, p.Ile1679Val (NM_001318832.2); c.5005A>G, p.Ile1669Val (NM_001363528.2); and 3 more; short protein forms I1735V, I1692V, I1620V, I1688V, I1691V, I1632V, I1491V, I1668V.
Identifiers: ClinVar variation 468147 (VCV000468147.19), dbSNP rs781407050, ClinGen allele CA054409.
Genomic context (GRCh38, chr16:2,088,269, plus strand): 5'-CCCTGCCTACGTCCCCAGATGGCCTCACAGGTGCATCATAGCCGCTCCAACCCCACCGAT[A>G]TCTACCCCTCCAAGTGGATTGCCCGGCTCCGCCACATCAAGCGGCTCCGCCAGCGGGTAG-3'
Protein context (NP_000539.2, residues 1725-1745): VHHSRSNPTD[Ile1735Val]YPSKWIARLR

ClinVar aggregate classification (germline): Conflicting classifications of pathogenicity. Review status: criteria provided, conflicting classifications (1 of 4 stars). 6 submissions from 6 submitters: Uncertain significance (2); Benign (2); Likely benign (2). Last evaluated 2026-01-18.

Conditions:
TSC2-related disorder. Also called: TSC2-related condition; TSC2-Related Disorders.
Tuberous sclerosis syndrome (TSC). Also called: Tuberous Sclerosis Complex; Tuberous sclerosis. Identifiers: Orphanet 805, MedGen C0041341, MONDO:0001734.
Hereditary cancer-predisposing syndrome. Also called: Hereditary neoplastic syndrome; Neoplastic Syndromes, Hereditary; Tumor predisposition; Hereditary Cancer Syndrome. Identifiers: Orphanet 140162, MedGen C0027672, MeSH D009386, MONDO:0015356.
Tuberous sclerosis 2 (TSC2). Identifiers: Orphanet 805, MedGen C1860707, MONDO:0013199, OMIM 613254.

Allele frequency attached by ClinVar (database versions not stated): gnomAD exomes below 0.00001 and 0.00001; TOPMed below 0.00001; ExAC 0.00001.
gnomAD v4.1: 6 of 1,613,072 alleles (0.00037%); highest among the groups gnomAD compares: Non-Finnish European, 0.00051%; no homozygotes.

Submissions (6):

Labcorp Genetics (formerly Invitae), Labcorp
Classification: Benign for Tuberous sclerosis 2. Last evaluated: 2026-01-18. Review status: criteria provided, single submitter. Criteria: Invitae Variant Classification Sherloc (09022015). Collection method: clinical testing. Allele origin: germline.

Ambry Genetics
Classification: Likely benign for Hereditary cancer-predisposing syndrome. Last evaluated: 2024-07-10. Review status: criteria provided, single submitter. Criteria: Ambry Variant Classification Scheme 2023. Collection method: clinical testing. Allele origin: germline.

All of Us Research Program, National Institutes of Health
Classification: Uncertain significance for Tuberous sclerosis syndrome. Last evaluated: 2023-08-15. Review status: criteria provided, single submitter. Criteria: ACMG Guidelines, 2015. Collection method: clinical testing. Allele origin: germline. Inheritance: Autosomal dominant inheritance. Observed: 1 variant allele, 1 heterozygote.
Comment: This study involves interpretation of variants in research participants for the purpose of population health screening. Participant phenotype was not available at the time of variant classification. Additional details can be found in publication PMID: 35346344, PMCID: PMC8962531

PreventionGenetics, part of Exact Sciences
Classification: Uncertain significance for TSC2-related condition. Last evaluated: 2022-10-12. Review status: criteria provided, single submitter. Criteria: ACMG Guidelines, 2015. Collection method: clinical testing. Allele origin: germline.
Comment: The TSC2 c.5203A>G variant is predicted to result in the amino acid substitution p.Ile1735Val. To our knowledge, this variant has not been reported in the literature. This variant is reported in 0.0018% of alleles in individuals of European (Non-Finnish) descent in gnomAD. At this time, the clinical significance of this variant is uncertain due to the absence of conclusive functional and genetic evidence.

Genome-Nilou Lab
Classification: Benign for Tuberous sclerosis 2. Last evaluated: 2021-11-07. Review status: criteria provided, single submitter. Criteria: ACMG Guidelines, 2015. Collection method: clinical testing. Allele origin: germline. Affected: no.

GeneDx
Classification: Likely benign. Last evaluated: 2017-09-27. Review status: criteria provided, single submitter. Criteria: GeneDx Variant Classification (06012015). Collection method: clinical testing. Allele origin: germline. Affected: yes.
Comment: This variant is considered likely benign or benign based on one or more of the following criteria: it is a conservative change, it occurs at a poorly conserved position in the protein, it is predicted to be benign by multiple in silico algorithms, and/or has population frequency not consistent with disease.